The following is an entry in ClinVar:

ClinVar aggregate classification (germline): Uncertain significance (1 of 4 stars; one submission).

Conditions:
Nemaline myopathy 2 (NEM2). Also called: Nemaline myopathy 2, autosomal recessive. Identifiers: MedGen C1850569, MONDO:0009725, OMIM 256030.

Submission:

Labcorp Genetics (formerly Invitae), Labcorp
Classification: Uncertain significance for Nemaline myopathy 2. Last evaluated: 2021-03-23. Review status: criteria provided, single submitter. Criteria: Invitae Variant Classification Sherloc (09022015). Collection method: clinical testing. Allele origin: germline.
Comment: This sequence change replaces isoleucine with methionine at codon 3751 of the NEB protein (p.Ile3751Met). The isoleucine residue is moderately conserved and there is a small physicochemical difference between isoleucine and methionine. This variant is not present in population databases (ExAC no frequency). This variant has not been reported in the literature in individuals with NEB-related conditions. Algorithms developed to predict the effect of missense changes on protein structure and function are either unavailable or do not agree on the potential impact of this missense change (SIFT: "Deleterious"; PolyPhen-2: "Not Available"; Align-GVGD: "Class C0"). In summary, the available evidence is currently insufficient to determine the role of this variant in disease. Therefore, it has been classified as a Variant of Uncertain Significance.

NM_001164508.2(NEB):c.11253C>G (p.Ile3751Met)

Gene: NEB (nebulin; minus strand). Cytogenetic location: 2q23.3.
Variant type: single nucleotide variant.
Coding change: c.11253C>G on transcript NM_001164508.2 (MANE Select); coding-DNA position 11253, C replaced by G.
Protein change: p.Ile3751Met; replaces isoleucine 3751 with methionine.
Molecular consequence: missense variant.
Genome position (GRCh38, 1-based): chr2:151,616,038, G>C on the plus strand (C>G on the coding strand, the complement: NEB is on the minus strand). VCF-style: chr2-151616038-G-C. GRCh37 (hg19) VCF-style: chr2-152472552-G-C.
Other names: c.11253C>G, p.Ile3751Met (NM_001164507.2, NM_001271208.2); c.10524C>G, p.Ile3508Met (NM_004543.5); short protein forms I3751M, I3508M.
Identifiers: ClinVar variation 1937365 (VCV001937365.2), dbSNP rs2552230662, ClinGen allele CA348783826.